The following is an entry in ClinVar:

NM_016604.4(KDM3B):c.4888C>T (p.Arg1630Ter)

Gene: KDM3B (lysine demethylase 3B; plus strand). Cytogenetic location: 5q31.2.
Variant type: single nucleotide variant.
Coding change: c.4888C>T on transcript NM_016604.4 (MANE Select); coding-DNA position 4888, C replaced by T.
Protein change: p.Arg1630Ter; replaces arginine 1630 with a stop codon.
Molecular consequence: nonsense.
Genome position (GRCh38, 1-based): chr5:138,429,960, C>T. VCF-style: chr5-138429960-C-T. GRCh37 (hg19) VCF-style: chr5-137765649-C-T.
Other names: short protein forms R1630*.
Identifiers: ClinVar variation 3767662 (VCV003767662.2).

ClinVar aggregate classification (germline): Pathogenic (1 of 4 stars; one submission).

Submission:

GeneDx
Classification: Pathogenic. Last evaluated: 2025-11-11. Review status: criteria provided, single submitter. Criteria: GeneDx Variant Classification Process June 2021. Collection method: clinical testing. Allele origin: germline.
Comment: Nonsense variant predicted to result in protein truncation or nonsense mediated decay in a gene for which loss of function is a known mechanism of disease; Not observed at significant frequency in large population cohorts (gnomAD); Has not been previously published as pathogenic or benign to our knowledge